The following is an entry in ClinVar:

NM_000844.4(GRM7):c.1033G>A (p.Gly345Arg)

Gene: GRM7 (glutamate metabotropic receptor 7; plus strand). Cytogenetic location: 3p26.1.
Variant type: single nucleotide variant.
Coding change: c.1033G>A on transcript NM_000844.4 (MANE Select); coding-DNA position 1033, G replaced by A.
Protein change: p.Gly345Arg; replaces glycine 345 with arginine.
Molecular consequence: missense variant.
Genome position (GRCh38, 1-based): chr3:7,306,652, G>A. VCF-style: chr3-7306652-G-A. GRCh37 (hg19) VCF-style: chr3-7348339-G-A.
Other names: c.1033G>A, p.Gly345Arg (NM_181874.3); short protein forms G345R.
Identifiers: ClinVar variation 3343631 (VCV003343631.1).

ClinVar aggregate classification (germline): Uncertain significance (1 of 4 stars; one submission).

Submission:

GeneDx
Classification: Uncertain significance. Last evaluated: 2023-05-18. Review status: criteria provided, single submitter. Criteria: GeneDx Variant Classification Process June 2021. Collection method: clinical testing. Allele origin: germline. Affected: yes.
Comment: Not observed at significant frequency in large population cohorts (gnomAD); In silico analysis supports a deleterious effect on splicing; In silico analysis supports that this missense variant has a deleterious effect on protein structure/function; Has not been previously published as pathogenic or benign to our knowledge